The following is an entry in ClinVar:

NM_001365276.2(TNXB):c.5145G>C (p.Gln1715His)

Gene: TNXB (tenascin XB; minus strand). Cytogenetic location: 6p21.33.
Variant type: single nucleotide variant.
Coding change: c.5145G>C on transcript NM_001365276.2 (MANE Select); coding-DNA position 5145, G replaced by C.
Protein change: p.Gln1715His; replaces glutamine 1715 with histidine.
Molecular consequence: missense variant.
Genome position (GRCh38, 1-based): chr6:32,070,260, C>G on the plus strand (G>C on the coding strand, the complement: TNXB is on the minus strand). VCF-style: chr6-32070260-C-G. GRCh37 (hg19) VCF-style: chr6-32038037-C-G.
Other names: c.5886G>C, p.Gln1962His (NM_001428335.1); c.5145G>C, p.Gln1715His (NM_019105.8); short protein forms Q1962H, Q1715H.
Identifiers: ClinVar variation 3459884 (VCV003459884.1).

ClinVar aggregate classification (germline): Uncertain significance (1 of 4 stars; one submission).

Conditions:
Cardiovascular phenotype. Identifiers: MedGen CN230736.

gnomAD v4.1: 2 of 1,612,790 alleles (0.00012%); highest among the groups gnomAD compares: Non-Finnish European, 0.00017%; no homozygotes.

Submission:

Ambry Genetics
Classification: Uncertain significance for Cardiovascular phenotype. Last evaluated: 2024-10-28. Review status: criteria provided, single submitter. Criteria: Ambry Variant Classification Scheme 2023. Collection method: clinical testing. Allele origin: germline.
Comment: The p.Q1715H variant (also known as c.5145G>C), located in coding exon 13 of the TNXB gene, results from a G to C substitution at nucleotide position 5145. The glutamine at codon 1715 is replaced by histidine, an amino acid with highly similar properties. This amino acid position is conserved. In addition, this alteration is predicted to be tolerated by in silico analysis. Based on the available evidence, the clinical significance of this variant remains unclear.